The following is an entry in ClinVar:

NM_002470.4(MYH3):c.2300A>G (p.Lys767Arg)

Gene: MYH3 (myosin heavy chain 3; minus strand). Cytogenetic location: 17p13.1.
Variant type: single nucleotide variant.
Coding change: c.2300A>G on transcript NM_002470.4 (MANE Select); coding-DNA position 2300, A replaced by G.
Protein change: p.Lys767Arg; replaces lysine 767 with arginine.
Molecular consequence: missense variant.
Genome position (GRCh38, 1-based): chr17:10,640,459, T>C on the plus strand (A>G on the coding strand, the complement: MYH3 is on the minus strand). VCF-style: chr17-10640459-T-C. GRCh37 (hg19) VCF-style: chr17-10543776-T-C.
Other names: c.2300A>G (NM_002470.3); short protein forms K767R.
Identifiers: ClinVar variation 2189505 (VCV002189505.7), dbSNP rs1228696043, ClinGen allele CA398164580.

ClinVar aggregate classification (germline): Uncertain significance. Review status: criteria provided, multiple submitters, no conflicts (2 of 4 stars). 2 submissions from 2 submitters: Uncertain significance (2). Last evaluated 2026-02-17.

Conditions:
Inborn genetic diseases. Identifiers: MedGen C0950123, MeSH D030342.

Allele frequency attached by ClinVar (database versions not stated): gnomAD exomes below 0.00001; TOPMed below 0.00001.
gnomAD v4.1: 2 of 1,614,204 alleles (0.00012%); highest among the groups gnomAD compares: Middle Eastern, 0.016%; no homozygotes.

Submissions (2):

Ambry Genetics
Classification: Uncertain significance for Inborn genetic diseases. Last evaluated: 2026-02-17. Review status: criteria provided, single submitter. Criteria: Ambry Variant Classification Scheme 2023. Collection method: clinical testing. Allele origin: germline.

Labcorp Genetics (formerly Invitae), Labcorp
Classification: Uncertain significance. Last evaluated: 2025-04-11. Review status: criteria provided, single submitter. Criteria: Invitae Variant Classification Sherloc (09022015). Collection method: clinical testing. Allele origin: germline.
Comment: This sequence change replaces lysine, which is basic and polar, with arginine, which is basic and polar, at codon 767 of the MYH3 protein (p.Lys767Arg). This variant is not present in population databases (gnomAD no frequency). This variant has not been reported in the literature in individuals affected with MYH3-related conditions. ClinVar contains an entry for this variant (Variation ID: 2189505). Invitae Evidence Modeling of protein sequence and biophysical properties (such as structural, functional, and spatial information, amino acid conservation, physicochemical variation, residue mobility, and thermodynamic stability) indicates that this missense variant is not expected to disrupt MYH3 protein function with a negative predictive value of 95%. In summary, the available evidence is currently insufficient to determine the role of this variant in disease. Therefore, it has been classified as a Variant of Uncertain Significance.